The following is an entry in ClinVar:

NM_021120.4(DLG3):c.1721G>A (p.Arg574Gln)

Gene: DLG3 (discs large MAGUK scaffold protein 3; plus strand). Cytogenetic location: Xq13.1.
Variant type: single nucleotide variant.
Coding change: c.1721G>A on transcript NM_021120.4 (MANE Select); coding-DNA position 1721, G replaced by A.
Protein change: p.Arg574Gln; replaces arginine 574 with glutamine.
Molecular consequence: missense variant.
Genome position (GRCh38, 1-based): chrX:70,492,544, G>A. VCF-style: chrX-70492544-G-A. GRCh37 (hg19) VCF-style: chrX-69712394-G-A.
Other names: c.272G>A, p.Arg91Gln (NM_001166278.2); c.710G>A, p.Arg237Gln (NM_020730.3); c.1721G>A (NM_021120.3); short protein forms R574Q, R237Q, R91Q.
Identifiers: ClinVar variation 224095 (VCV000224095.7), dbSNP rs149595793, ClinGen allele CA357184.
Genomic context (GRCh38, chrX:70,492,544, plus strand): 5'-CTGGCAGTAACAGGACTTCTTTCTGATTCCAAAACAGGGTGGAAAAGAAAGAAAGAGCTC[G>A]ATTGAAAACTGTGAAGTTCCATGCCAGGACGGGGATGATTGAGTCTAACAGGGTAAGTGG-3'
Protein context (NP_066943.2, residues 564-584): KKRVEKKERA[Arg574Gln]LKTVKFHART

ClinVar aggregate classification (germline): Conflicting classifications of pathogenicity. Review status: criteria provided, conflicting classifications (1 of 4 stars). 4 submissions from 4 submitters: Likely pathogenic (1); Uncertain significance (2); Likely benign (1). Last evaluated 2025-01-31.

Conditions:
Inborn genetic diseases. Identifiers: MedGen C0950123, MeSH D030342.
Intellectual developmental disorder, X-linked 90. Also called: DLG3-Related X-Linked Nonsyndromic Mental Retardation; Intellectual disability, X-linked 90. Identifiers: Orphanet 777, MedGen C3275443, MONDO:0010452, OMIM 300850.

Allele frequency attached by ClinVar (database versions not stated): ExAC 0.00002; gnomAD exomes 0.00003; gnomAD 0.00006 and 0.00007; TOPMed 0.00008; ESP Exome Variant Server 0.00019.
gnomAD v4.1: 42 of 1,209,704 alleles (0.0035%); highest among the groups gnomAD compares: Admixed American, 0.0066%; no homozygotes.

Submissions (4):

Equipe Genetique des Anomalies du Developpement, Université de Bourgogne
Classification: Likely benign for Intellectual developmental disorder, X-linked 90. Last evaluated: 2025-01-31. Review status: criteria provided, single submitter. Criteria: ACMG Guidelines, 2015. Collection method: clinical testing. Allele origin: germline. Affected: yes.
Comment: This variant is a missense which replaces an arginine with a glutamine at position 574. Hemizygous pathogenic variants in DLG3 are reported in an autosomal dominant intellectual disability (OMIM #300850). This variant is present in 18 male individuals in gnomAD (v4.1.0). It has been reported in ClinVar and it has been reported in the literature. In silico prediction scores support the absence of an effect. Based on these evidences, the variant was classified as likely benign.

Women's Health and Genetics/Laboratory Corporation of America, LabCorp
Classification: Uncertain significance. Last evaluated: 2024-05-03. Review status: criteria provided, single submitter. Criteria: LabCorp Variant Classification Summary - May 2015. Collection method: clinical testing. Allele origin: germline.
Comment: Variant summary: DLG3 c.1721G>A (p.Arg574Gln) results in a conservative amino acid change in the encoded protein sequence. Three of five in-silico tools predict a damaging effect of the variant on protein function. The variant allele was found at a frequency of 3.3e-05 in 182537 control chromosomes. The available data on variant occurrences in the general population are insufficient to allow any conclusion about variant significance. c.1721G>A has been reported in the literature in at least one individual affected with clinical features of Intellectual Disability, X-Linked 90 (e.g. Bowling_2017). This report does not provide unequivocal conclusions about association of the variant with Intellectual Disability, X-Linked 90. To our knowledge, no experimental evidence demonstrating an impact on protein function has been reported. The following publication has been ascertained in the context of this evaluation (PMID: 28554332). ClinVar contains an entry for this variant (Variation ID: 224095). Based on the evidence outlined above, the variant was classified as uncertain significance.

Ambry Genetics
Classification: Uncertain significance for Inborn genetic diseases. Last evaluated: 2021-08-14. Review status: criteria provided, single submitter. Criteria: Ambry Variant Classification Scheme 2023. Collection method: clinical testing. Allele origin: germline.
Comment: The c.1721G>A (p.R574Q) alteration is located in exon 12 (coding exon 12) of the DLG3 gene. This alteration results from a G to A substitution at nucleotide position 1721, causing the arginine (R) at amino acid position 574 to be replaced by a glutamine (Q). This variant was detected in one individual in an intellectual disability and developmental delay cohort; however, clinical details were limited (Bowling, 2017). Based on insufficient or conflicting evidence, the clinical significance of this alteration remains unclear.

HudsonAlpha Institute for Biotechnology
Classification: Likely pathogenic for Intellectual developmental disorder, X-linked 90. Last evaluated: 2014-11-04. Review status: criteria provided, single submitter. Criteria: HA_assertions_20161101. Collection method: research. Allele origin: maternal. Affected: yes. Observed: 1 variant allele. Study: CSER-HudsonAlpha.

Literature cited by the submitters: PubMed 28554332 (cited by Women's Health and Genetics/Laboratory Corporation of America, LabCorp and Ambry Genetics).